The following is an entry in ClinVar:

NM_014956.5(CEP164):c.583A>T (p.Thr195Ser)

Gene: CEP164 (centrosomal protein 164; plus strand). Cytogenetic location: 11q23.3.
Variant type: single nucleotide variant.
Coding change: c.583A>T on transcript NM_014956.5 (MANE Select); coding-DNA position 583, A replaced by T.
Protein change: p.Thr195Ser; replaces threonine 195 with serine.
Molecular consequence: missense variant.
Genome position (GRCh38, 1-based): chr11:117,362,434, A>T. VCF-style: chr11-117362434-A-T. GRCh37 (hg19) VCF-style: chr11-117233150-A-T.
Other names: c.583A>T, p.Thr195Ser (NM_001271933.2); short protein forms T195S.
Identifiers: ClinVar variation 1377196 (VCV001377196.6), dbSNP rs2135703292, ClinGen allele CA382731735.

ClinVar aggregate classification (germline): Uncertain significance (1 of 4 stars; one submission).

Conditions:
Nephronophthisis 15 (NPHP15). Identifiers: Orphanet 3156, MedGen C3541853, MONDO:0013917, OMIM 614845.

Submission:

Labcorp Genetics (formerly Invitae), Labcorp
Classification: Uncertain significance for Nephronophthisis 15. Last evaluated: 2021-10-19. Review status: criteria provided, single submitter. Criteria: Invitae Variant Classification Sherloc (09022015). Collection method: clinical testing. Allele origin: germline.
Comment: In summary, the available evidence is currently insufficient to determine the role of this variant in disease. Therefore, it has been classified as a Variant of Uncertain Significance. Algorithms developed to predict the effect of missense changes on protein structure and function output the following: SIFT: "Tolerated"; PolyPhen-2: "Benign"; Align-GVGD: "Class C0". The serine amino acid residue is found in multiple mammalian species, which suggests that this missense change does not adversely affect protein function. This variant has not been reported in the literature in individuals affected with CEP164-related conditions. This variant is not present in population databases (ExAC no frequency). This sequence change replaces threonine with serine at codon 195 of the CEP164 protein (p.Thr195Ser). The threonine residue is highly conserved and there is a small physicochemical difference between threonine and serine.